The following is an entry in ClinVar:

NM_001035.3(RYR2):c.5243T>A (p.Leu1748His)

Gene: RYR2 (ryanodine receptor 2; plus strand). Cytogenetic location: 1q43.
Variant type: single nucleotide variant.
Coding change: c.5243T>A on transcript NM_001035.3 (MANE Select); coding-DNA position 5243, T replaced by A.
Protein change: p.Leu1748His; replaces leucine 1748 with histidine.
Molecular consequence: missense variant.
Genome position (GRCh38, 1-based): chr1:237,614,371, T>A. VCF-style: chr1-237614371-T-A. GRCh37 (hg19) VCF-style: chr1-237777671-T-A.
Other names: short protein forms L1748H.
Identifiers: ClinVar variation 4810520 (VCV004810520.1).

ClinVar aggregate classification (germline): Uncertain significance (1 of 4 stars; one submission).

Conditions:
Catecholaminergic polymorphic ventricular tachycardia 1. Also called: VENTRICULAR TACHYCARDIA, STRESS-INDUCED POLYMORPHIC 1; VENTRICULAR TACHYCARDIA, CATECHOLAMINERGIC POLYMORPHIC, 1, WITH OR WITHOUT ATRIAL DYSFUNCTION AND/OR DILATED CARDIOMYOPATHY; RYR2-Related Catecholaminergic Polymorphic Ventricular Tachycardia. Identifiers: Orphanet 3286, MedGen C1631597, MONDO:0011484, OMIM 604772.

gnomAD v4.1: 1 of 1,613,892 alleles (0.000062%); highest among the groups gnomAD compares: Non-Finnish European, 0.000085%; no homozygotes.

Submission:

Labcorp Genetics (formerly Invitae), Labcorp
Classification: Uncertain significance for Catecholaminergic polymorphic ventricular tachycardia 1. Last evaluated: 2025-06-27. Review status: criteria provided, single submitter. Criteria: Invitae Variant Classification Sherloc (09022015). Collection method: clinical testing. Allele origin: germline.
Comment: This sequence change replaces leucine, which is neutral and non-polar, with histidine, which is basic and polar, at codon 1748 of the RYR2 protein (p.Leu1748His). This variant is not present in population databases (gnomAD no frequency). This variant has not been reported in the literature in individuals affected with RYR2-related conditions. Invitae Evidence Modeling of protein sequence and biophysical properties (such as structural, functional, and spatial information, amino acid conservation, physicochemical variation, residue mobility, and thermodynamic stability) has been performed for this missense variant. However, the output from this modeling did not meet the statistical confidence thresholds required to predict the impact of this variant on RYR2 protein function. In summary, the available evidence is currently insufficient to determine the role of this variant in disease. Therefore, it has been classified as a Variant of Uncertain Significance.